The following is an entry in ClinVar:

ClinVar aggregate classification (germline): Uncertain significance (1 of 4 stars; one submission).

Conditions:
Hereditary cancer-predisposing syndrome. Also called: Tumor predisposition; Neoplastic Syndromes, Hereditary; Hereditary Cancer Syndrome; Hereditary neoplastic syndrome. Identifiers: Orphanet 140162, MedGen C0027672, MeSH D009386, MONDO:0015356.

Submission:

Ambry Genetics
Classification: Uncertain significance for Hereditary cancer-predisposing syndrome. Last evaluated: 2025-01-27. Review status: criteria provided, single submitter. Criteria: Ambry Variant Classification Scheme 2023. Collection method: clinical testing. Allele origin: germline.
Comment: The p.M1732I variant (also known as c.5196G>T), located in coding exon 15 of the APC gene, results from a G to T substitution at nucleotide position 5196. The methionine at codon 1732 is replaced by isoleucine, an amino acid with highly similar properties. This amino acid position is conserved. In addition, in silico predictors for this gene do not accurately predict pathogenicity. Based on the available evidence, the clinical significance of this variant remains unclear.

NM_000038.6(APC):c.5196G>T (p.Met1732Ile)

Gene: APC (APC regulator of Wnt signaling pathway; plus strand). Cytogenetic location: 5q22.2.
Variant type: single nucleotide variant.
Coding change: c.5196G>T on transcript NM_000038.6 (MANE Select); coding-DNA position 5196, G replaced by T.
Protein change: p.Met1732Ile; replaces methionine 1732 with isoleucine.
Molecular consequence: missense variant. On other transcripts: non-coding transcript variant (2).
Genome position (GRCh38, 1-based): chr5:112,840,790, G>T. VCF-style: chr5-112840790-G-T. GRCh37 (hg19) VCF-style: chr5-112176487-G-T.
Other names: c.5196G>T, p.Met1732Ile (NM_001127510.3, NM_001354895.2, NM_001407450.1); c.5142G>T, p.Met1714Ile (NM_001127511.3); c.5250G>T, p.Met1750Ile (NM_001354896.2, NM_001407447.1, NM_001407448.1 and 1 more transcripts); c.5226G>T, p.Met1742Ile (NM_001354897.2); c.5121G>T, p.Met1707Ile (NM_001354898.2); c.5112G>T, p.Met1704Ile (NM_001354899.2); c.5073G>T, p.Met1691Ile (NM_001354900.2); c.5019G>T, p.Met1673Ile (NM_001354901.2, NM_001407453.1); and 11 more; short protein forms M1603I, M1631I, M1641I, M1732I, M1572I, M1691I, M1722I, M1725I.
Identifiers: ClinVar variation 3882103 (VCV003882103.1).